The following is an entry in ClinVar:

ClinVar aggregate classification (germline): Benign/Likely benign. Review status: criteria provided, multiple submitters, no conflicts (2 of 4 stars). 2 submissions from 2 submitters: Benign (1); Likely benign (1). Last evaluated 2026-04-07.

Conditions:
CCDC141-related disorder. Also called: CCDC141-related condition.

Allele frequency attached by ClinVar (database versions not stated): 1000 Genomes Project 0.00160; 1000 Genomes Project 30x 0.00172; ExAC 0.00256.
gnomAD v4.1: 951 of 1,535,952 alleles (0.062%); highest among the groups gnomAD compares: East Asian, 0.33%; 5 homozygotes.

Submissions (2):

PreventionGenetics, part of Exact Sciences
Classification: Likely benign for CCDC141-related condition. Last evaluated: 2026-04-07. Review status: criteria provided, single submitter. Criteria: ACMG Guidelines, 2015. Collection method: clinical testing. Allele origin: germline.
Comment: This variant is classified as likely benign based on ACMG/AMP sequence variant interpretation guidelines (Richards et al. 2015 PMID: 25741868, with internal and published modifications).

Labcorp Genetics (formerly Invitae), Labcorp
Classification: Benign. Last evaluated: 2025-12-23. Review status: criteria provided, single submitter. Criteria: Invitae Variant Classification Sherloc (09022015). Collection method: clinical testing. Allele origin: germline.

NM_173648.4(CCDC141):c.4462G>A (p.Gly1488Ser)

Gene: CCDC141 (coiled-coil domain containing 141; minus strand). Cytogenetic location: 2q31.2.
Variant type: single nucleotide variant.
Coding change: c.4462G>A on transcript NM_173648.4 (MANE Select); coding-DNA position 4462, G replaced by A.
Protein change: p.Gly1488Ser; replaces glycine 1488 with serine.
Molecular consequence: missense variant.
Genome position (GRCh38, 1-based): chr2:178,834,304, C>T on the plus strand (G>A on the coding strand, the complement: CCDC141 is on the minus strand). VCF-style: chr2-178834304-C-T. GRCh37 (hg19) VCF-style: chr2-179699031-C-T.
Other names: c.4462G>A (NM_173648.3); short protein forms G1488S.
Identifiers: ClinVar variation 2714725 (VCV002714725.4), dbSNP rs199670476, ClinGen allele CA2006488.
Genomic context (GRCh38, chr2:178,834,304, plus strand): 5'-TTGTGATTGGCAGCCTGCAGTTACCTGTCACGTGGAGGATGACATTGGAAGAGAGAGCGC[C>T]GCTAGAGTTTTGGGCCCGAGCCACATAGAGGCCTGCGTCTGCCTTGCATACCTTTGGAAT-3'
Protein context (NP_775919.3, residues 1478-1498): LYVARAQNSS[Gly1488Ser]ALSSNVILHV